The following is an entry in ClinVar:

NM_001040142.2(SCN2A):c.3697G>T (p.Glu1233Ter)

Gene: SCN2A (sodium voltage-gated channel alpha subunit 2; plus strand). Cytogenetic location: 2q24.3.
Variant type: single nucleotide variant.
Coding change: c.3697G>T on transcript NM_001040142.2 (MANE Select); coding-DNA position 3697, G replaced by T.
Protein change: p.Glu1233Ter; replaces glutamic acid 1233 with a stop codon.
Molecular consequence: nonsense.
Genome position (GRCh38, 1-based): chr2:165,370,147, G>T. VCF-style: chr2-165370147-G-T. GRCh37 (hg19) VCF-style: chr2-166226657-G-T.
Other names: c.3697G>T, p.Glu1233Ter (NM_001040143.2, NM_001371246.1, NM_001371247.1 and 1 more transcripts); short protein forms E1233*.
Identifiers: ClinVar variation 377394 (VCV000377394.3), dbSNP rs1057519617, ClinGen allele CA16603364.

ClinVar aggregate classification (germline): Pathogenic (0 of 4 stars; one submission).

Conditions:
Intellectual disability, autosomal dominant. Identifiers: MedGen CN240835, MONDO:0100172.

Submission:

Centre de Biologie Pathologie Génétique, Centre Hospitalier Universitaire de Lille
Classification: Pathogenic for Intellectual disability, autosomal dominant. Last evaluated: 2015-03-16. Review status: no assertion criteria provided. Collection method: clinical testing. Allele origin: de novo. Affected: yes. Observed: 1 variant allele, 1 heterozygote.
Comment: Global developmental delay without seizures